The following is an entry in ClinVar:

NM_000368.5(TSC1):c.702G>A (p.Val234=)

Gene: TSC1 (TSC complex subunit 1; minus strand). Cytogenetic location: 9q34.13.
Variant type: single nucleotide variant.
Coding change: c.702G>A on transcript NM_000368.5 (MANE Select); coding-DNA position 702, G replaced by A.
Protein change: p.Val234=; no amino-acid change (valine 234 retained).
Molecular consequence: synonymous variant.
Genome position (GRCh38, 1-based): chr9:132,921,398, C>T on the plus strand (G>A on the coding strand, the complement: TSC1 is on the minus strand). VCF-style: chr9-132921398-C-T. GRCh37 (hg19) VCF-style: chr9-135796785-C-T.
Other names: c.702G>A, p.Val234= (NM_001162426.2); c.549G>A, p.Val183= (NM_001162427.2); c.339G>A, p.Val113= (NM_001362177.2).
Identifiers: ClinVar variation 753757 (VCV000753757.14), dbSNP rs1216129023, ClinGen allele CA467593739.

ClinVar aggregate classification (germline): Benign/Likely benign. Review status: criteria provided, multiple submitters, no conflicts (2 of 4 stars). 3 submissions from 3 submitters: Benign (1); Likely benign (2). Last evaluated 2026-01-26.

Conditions:
Hereditary cancer-predisposing syndrome. Also called: Tumor predisposition; Hereditary Cancer Syndrome; Neoplastic Syndromes, Hereditary; Hereditary neoplastic syndrome. Identifiers: Orphanet 140162, MedGen C0027672, MeSH D009386, MONDO:0015356.
Tuberous sclerosis 1 (TSC1). Identifiers: Orphanet 805, MedGen C1854465, MONDO:0008612, OMIM 191100.

Allele frequency attached by ClinVar (database versions not stated): gnomAD 0.00001; TOPMed 0.00001.
gnomAD v4.1: 1 of 1,614,016 alleles (0.000062%); highest among the groups gnomAD compares: Non-Finnish European, 0.000085%; no homozygotes.

Submissions (3):

Labcorp Genetics (formerly Invitae), Labcorp
Classification: Likely benign for Tuberous sclerosis 1. Last evaluated: 2026-01-26. Review status: criteria provided, single submitter. Criteria: Invitae Variant Classification Sherloc (09022015). Collection method: clinical testing. Allele origin: germline.

Myriad Genetics, Inc.
Classification: Benign for Tuberous sclerosis 1. Last evaluated: 2025-04-08. Review status: criteria provided, single submitter. Criteria: Myriad Autosomal Dominant, Autosomal Recessive and X-Linked Classification Criteria (2023). Collection method: clinical testing. Allele origin: unknown.
Comment: This variant is considered benign. This variant is a silent/synonymous amino acid change and it is not expected to impact splicing.

Ambry Genetics
Classification: Likely benign for Hereditary cancer-predisposing syndrome. Last evaluated: 2016-07-01. Review status: criteria provided, single submitter. Criteria: Ambry Variant Classification Scheme 2023. Collection method: clinical testing. Allele origin: germline.